The following is an entry in ClinVar:

ClinVar aggregate classification (germline): Likely benign (1 of 4 stars; one submission).

Submission:

CeGaT Center for Human Genetics Tuebingen
Classification: Likely benign. Last evaluated: 2022-05-01. Review status: criteria provided, single submitter. Criteria: CeGaT Center For Human Genetics Tuebingen Variant Classification Criteria Version 2. Collection method: clinical testing. Allele origin: germline. Affected: yes. Observed: 1 variant allele.
Comment: NDUFS7: PM2:Supporting, BP4, BP7

NM_024407.5(NDUFS7):c.378C>A (p.Leu126=)

Gene: NDUFS7 (NADH:ubiquinone oxidoreductase core subunit S7; plus strand). Cytogenetic location: 19p13.3.
Variant type: single nucleotide variant.
Coding change: c.378C>A on transcript NM_024407.5 (MANE Select); coding-DNA position 378, C replaced by A.
Protein change: p.Leu126=; no amino-acid change (leucine 126 retained).
Molecular consequence: synonymous variant.
Genome position (GRCh38, 1-based): chr19:1,391,020, C>A. VCF-style: chr19-1391020-C-A. GRCh37 (hg19) VCF-style: chr19-1391019-C-A.
Other names: c.378C>A, p.Leu126= (NM_001363602.2).
Identifiers: ClinVar variation 2648916 (VCV002648916.24), dbSNP rs749870573, ClinGen allele CA504895138.